The following is an entry in ClinVar:

NM_001166114.2(PNPLA6):c.555G>T (p.Arg185=)

Gene: PNPLA6 (patatin like domain 6, lysophospholipase; plus strand). Cytogenetic location: 19p13.2.
Variant type: single nucleotide variant.
Coding change: c.555G>T on transcript NM_001166114.2 (MANE Select); coding-DNA position 555, G replaced by T.
Protein change: p.Arg185=; no amino-acid change (arginine 185 retained).
Molecular consequence: synonymous variant.
Genome position (GRCh38, 1-based): chr19:7,540,149, G>T. VCF-style: chr19-7540149-G-T. GRCh37 (hg19) VCF-style: chr19-7605035-G-T.
Other names: c.582G>T, p.Arg194= (NM_001166111.2); c.438G>T, p.Arg146= (NM_001166112.2, NM_001166113.1, NM_006702.5).
Identifiers: ClinVar variation 936254 (VCV000936254.11), dbSNP rs1329932060, ClinGen allele CA505237672.

ClinVar aggregate classification (germline): Uncertain significance (1 of 4 stars; one submission).

Conditions:
Trichomegaly-retina pigmentary degeneration-dwarfism syndrome (OMCS). Also called: Oliver-McFarlane Syndrome (OMCS); Eyelashes long mental retardation; Trichomegaly retina pigmentary degeneration dwarfism; OLIVER-MCFARLANE SYNDROME. Identifiers: Orphanet 3363, MedGen C1848745, MONDO:0010152, OMIM 275400.
Hereditary spastic paraplegia 39 (SPG39). Also called: Spastic Paraplegia Type 39 (SPG39); SPASTIC PARAPLEGIA 39, AUTOSOMAL RECESSIVE. Identifiers: Orphanet 139480, MedGen C2677586, MONDO:0012787, OMIM 612020.

Submission:

Labcorp Genetics (formerly Invitae), Labcorp
Classification: Uncertain significance for Hereditary spastic paraplegia 39. Last evaluated: 2019-11-12. Review status: criteria provided, single submitter. Criteria: Invitae Variant Classification Sherloc (09022015). Collection method: clinical testing. Allele origin: germline.
Comment: In summary, the available evidence is currently insufficient to determine the role of this variant in disease. Therefore, it has been classified as a Variant of Uncertain Significance. Algorithms developed to predict the effect of sequence changes on RNA splicing suggest that this variant may disrupt the consensus splice site, but this prediction has not been confirmed by published transcriptional studies. This variant has not been reported in the literature in individuals with PNPLA6-related conditions. This variant is not present in population databases (ExAC no frequency). This sequence change affects codon 146 of the PNPLA6 mRNA. It is a 'silent' change, meaning that it does not change the encoded amino acid sequence of the PNPLA6 protein.